The following is an entry in ClinVar:

ClinVar aggregate classification (germline): Conflicting classifications of pathogenicity. Review status: criteria provided, conflicting classifications (1 of 4 stars). 3 submissions from 3 submitters: Uncertain significance (2); Likely benign (1). Last evaluated 2026-05-08.

Conditions:
Hereditary diffuse gastric adenocarcinoma (HDGC). Also called: DIFFUSE GASTRIC AND LOBULAR BREAST CANCER SYNDROME. Identifiers: Orphanet 26106, MedGen C1708349, MONDO:0007648, OMIM 137215.
Hereditary cancer-predisposing syndrome. Also called: Tumor predisposition; Hereditary Cancer Syndrome; Neoplastic Syndromes, Hereditary; Hereditary neoplastic syndrome. Identifiers: Orphanet 140162, MedGen C0027672, MeSH D009386, MONDO:0015356.

Submissions (3):

Ambry Genetics
Classification: Likely benign for Hereditary cancer-predisposing syndrome. Last evaluated: 2026-05-08. Review status: criteria provided, single submitter. Criteria: Ambry Variant Classification Scheme 2023. Collection method: clinical testing. Allele origin: germline.

Labcorp Genetics (formerly Invitae), Labcorp
Classification: Uncertain significance for Hereditary diffuse gastric adenocarcinoma. Last evaluated: 2024-04-03. Review status: criteria provided, single submitter. Criteria: Invitae Variant Classification Sherloc (09022015). Collection method: clinical testing. Allele origin: germline.
Comment: This sequence change replaces arginine, which is basic and polar, with lysine, which is basic and polar, at codon 492 of the CDH1 protein (p.Arg492Lys). This variant is not present in population databases (gnomAD no frequency). This variant has not been reported in the literature in individuals affected with CDH1-related conditions. ClinVar contains an entry for this variant (Variation ID: 628492). Algorithms developed to predict the effect of missense changes on protein structure and function output the following: SIFT: "Not Available"; PolyPhen-2: "Benign"; Align-GVGD: "Not Available". The lysine amino acid residue is found in multiple mammalian species, which suggests that this missense change does not adversely affect protein function. In summary, the available evidence is currently insufficient to determine the role of this variant in disease. Therefore, it has been classified as a Variant of Uncertain Significance.

Color Diagnostics, LLC DBA Color Health
Classification: Uncertain significance for Hereditary cancer-predisposing syndrome. Last evaluated: 2018-12-13. Review status: criteria provided, single submitter. Criteria: ACMG Guidelines, 2015. Collection method: clinical testing. Allele origin: germline.

NM_004360.5(CDH1):c.1475G>A (p.Arg492Lys)

Gene: CDH1 (cadherin 1; plus strand). Cytogenetic location: 16q22.1.
Variant type: single nucleotide variant.
Coding change: c.1475G>A on transcript NM_004360.5 (MANE Select); coding-DNA position 1475, G replaced by A.
Protein change: p.Arg492Lys; replaces arginine 492 with lysine.
Molecular consequence: missense variant. On other transcripts: 5 prime UTR variant (2).
Genome position (GRCh38, 1-based): chr16:68,815,669, G>A. VCF-style: chr16-68815669-G-A. GRCh37 (hg19) VCF-style: chr16-68849572-G-A.
Other names: c.1292G>A, p.Arg431Lys (NM_001317184.2); c.-74G>A (NM_001317185.2); c.-345G>A (NM_001317186.2); short protein forms R492K, R431K.
Identifiers: ClinVar variation 628492 (VCV000628492.10), dbSNP rs587781286, ClinGen allele CA396463149.